The following is an entry in ClinVar:

ClinVar aggregate classification (germline): Uncertain significance (1 of 4 stars; one submission).

Conditions:
Brugada syndrome 8 (BRGDA8). Identifiers: Orphanet 130, MedGen C2751083, MONDO:0013148, OMIM 613123.

gnomAD v4.1: 2 of 1,599,310 alleles (0.00013%); highest among the groups gnomAD compares: Non-Finnish European, 0.000085%; no homozygotes.

Submission:

Labcorp Genetics (formerly Invitae), Labcorp
Classification: Uncertain significance for Brugada syndrome 8. Last evaluated: 2023-12-01. Review status: criteria provided, single submitter. Criteria: Invitae Variant Classification Sherloc (09022015). Collection method: clinical testing. Allele origin: germline.
Comment: This sequence change replaces valine, which is neutral and non-polar, with glycine, which is neutral and non-polar, at codon 190 of the HCN4 protein (p.Val190Gly). This variant is not present in population databases (gnomAD no frequency). This variant has not been reported in the literature in individuals affected with HCN4-related conditions. Advanced modeling of protein sequence and biophysical properties (such as structural, functional, and spatial information, amino acid conservation, physicochemical variation, residue mobility, and thermodynamic stability) performed at Invitae indicates that this missense variant is not expected to disrupt HCN4 protein function with a negative predictive value of 95%. In summary, the available evidence is currently insufficient to determine the role of this variant in disease. Therefore, it has been classified as a Variant of Uncertain Significance.

NM_005477.3(HCN4):c.569T>G (p.Val190Gly)

Gene: HCN4 (hyperpolarization activated cyclic nucleotide gated potassium channel 4; minus strand). Cytogenetic location: 15q24.1.
Variant type: single nucleotide variant.
Coding change: c.569T>G on transcript NM_005477.3 (MANE Select); coding-DNA position 569, T replaced by G.
Protein change: p.Val190Gly; replaces valine 190 with glycine.
Molecular consequence: missense variant.
Genome position (GRCh38, 1-based): chr15:73,367,702, A>C on the plus strand (T>G on the coding strand, the complement: HCN4 is on the minus strand). VCF-style: chr15-73367702-A-C. GRCh37 (hg19) VCF-style: chr15-73660043-A-C.
Other names: short protein forms V190G.
Identifiers: ClinVar variation 2847075 (VCV002847075.3), dbSNP rs786205269, ClinGen allele CA393097605.